The following is an entry in ClinVar:

NM_004380.3(CREBBP):c.2194G>A (p.Val732Ile)

Gene: CREBBP (CREB binding lysine acetyltransferase; minus strand). Cytogenetic location: 16p13.3.
Variant type: single nucleotide variant.
Coding change: c.2194G>A on transcript NM_004380.3 (MANE Select); coding-DNA position 2194, G replaced by A.
Protein change: p.Val732Ile; replaces valine 732 with isoleucine.
Molecular consequence: missense variant.
Genome position (GRCh38, 1-based): chr16:3,774,658, C>T on the plus strand (G>A on the coding strand, the complement: CREBBP is on the minus strand). VCF-style: chr16-3774658-C-T. GRCh37 (hg19) VCF-style: chr16-3824659-C-T.
Other names: c.2080G>A, p.Val694Ile (NM_001079846.1); short protein forms V732I, V694I.
Identifiers: ClinVar variation 3011304 (VCV003011304.3), dbSNP rs775229806, ClinGen allele CA7870213.
Genomic context (GRCh38, chr16:3,774,658, plus strand): 5'-GGACAGAGTGGTTCATTGGGGAGGCTGCACGAGGTCCCATGGGTGCTTGTGGCAACTGGA[C>T]GTTCCCCAAGGACATGGGGTTAAATGAATTCATCCCTGTAAATGTACCCACAACGGTTCA-3'
Protein context (NP_004371.2, residues 722-742): NSFNPMSLGN[Val732Ile]QLPQAPMGPR

ClinVar aggregate classification (germline): Uncertain significance (1 of 4 stars; one submission).

Conditions:
Rubinstein-Taybi syndrome (RSTS). Identifiers: Orphanet 783, MedGen C0035934, MONDO:0019188.

Allele frequency attached by ClinVar (database versions not stated): ExAC 0.00001; gnomAD exomes 0.00001; TOPMed 0.00001.
gnomAD v4.1: 10 of 1,614,152 alleles (0.00062%); highest among the groups gnomAD compares: Admixed American, 0.0017%; no homozygotes.

Submission:

Labcorp Genetics (formerly Invitae), Labcorp
Classification: Uncertain significance for Rubinstein-Taybi syndrome. Last evaluated: 2024-07-24. Review status: criteria provided, single submitter. Criteria: Invitae Variant Classification Sherloc (09022015). Collection method: clinical testing. Allele origin: germline.
Comment: This sequence change replaces valine, which is neutral and non-polar, with isoleucine, which is neutral and non-polar, at codon 732 of the CREBBP protein (p.Val732Ile). This variant is present in population databases (rs775229806, gnomAD 0.003%). This variant has not been reported in the literature in individuals affected with CREBBP-related conditions. Advanced modeling of protein sequence and biophysical properties (such as structural, functional, and spatial information, amino acid conservation, physicochemical variation, residue mobility, and thermodynamic stability) has been performed at Invitae for this missense variant, however the output from this modeling did not meet the statistical confidence thresholds required to predict the impact of this variant on CREBBP protein function. In summary, the available evidence is currently insufficient to determine the role of this variant in disease. Therefore, it has been classified as a Variant of Uncertain Significance.